The following is an entry in ClinVar:

ClinVar aggregate classification (germline): Uncertain significance (1 of 4 stars; one submission).

Conditions:
Neuropathy, hereditary sensory and autonomic, type 2A (HSAN2A). Also called: WNK1-Related HSAN2 (HSAN2A); ACROOSTEOLYSIS, GIACCAI TYPE; ACROOSTEOLYSIS, NEUROGENIC; MORVAN DISEASE; NEUROPATHY, CONGENITAL SENSORY; NEUROPATHY, HEREDITARY SENSORY RADICULAR, AUTOSOMAL RECESSIVE. Identifiers: Orphanet 970, MedGen C2752089, MONDO:0024309, OMIM 201300.
Pseudohypoaldosteronism type 2C (PHA2C). Also called: Pseudohypoaldosteronism Type IIC. Identifiers: Orphanet 757, Orphanet 88940, MedGen C1840391, MONDO:0013778, OMIM 614492.

Submission:

Labcorp Genetics (formerly Invitae), Labcorp
Classification: Uncertain significance for Neuropathy, hereditary sensory and autonomic, type 2A; Pseudohypoaldosteronism type 2C. Last evaluated: 2025-12-10. Review status: criteria provided, single submitter. Criteria: Invitae Variant Classification Sherloc (09022015). Collection method: clinical testing. Allele origin: germline.
Comment: This sequence change replaces leucine, which is neutral and non-polar, with arginine, which is basic and polar, at codon 2147 of the WNK1 protein (p.Leu2147Arg). This variant is not present in population databases (gnomAD no frequency). This variant has not been reported in the literature in individuals affected with WNK1-related conditions. Invitae Evidence Modeling of protein sequence and biophysical properties (such as structural, functional, and spatial information, amino acid conservation, physicochemical variation, residue mobility, and thermodynamic stability) indicates that this missense variant is not expected to disrupt WNK1 protein function with a negative predictive value of 95%. In summary, the available evidence is currently insufficient to determine the role of this variant in disease. Therefore, it has been classified as a Variant of Uncertain Significance.

NM_018979.4(WNK1):c.5684T>G (p.Leu1895Arg)

Gene: WNK1 (WNK lysine deficient protein kinase 1; plus strand). Cytogenetic location: 12p13.33.
Variant type: single nucleotide variant.
Coding change: c.5684T>G on transcript NM_018979.4 (MANE Select); coding-DNA position 5684, T replaced by G.
Protein change: p.Leu1895Arg; replaces leucine 1895 with arginine.
Molecular consequence: missense variant.
Genome position (GRCh38, 1-based): chr12:896,171, T>G. VCF-style: chr12-896171-T-G. GRCh37 (hg19) VCF-style: chr12-1005337-T-G.
Other names: c.6464T>G, p.Leu2155Arg (NM_001184985.2); c.4940T>G, p.Leu1647Arg (NM_014823.3); c.6440T>G, p.Leu2147Arg (NM_213655.5); short protein forms L2147R, L1647R, L1895R, L2155R.
Identifiers: ClinVar variation 4789469 (VCV004789469.1).